The following is an entry in ClinVar:

ClinVar aggregate classification (germline): Conflicting classifications of pathogenicity. Review status: criteria provided, conflicting classifications (1 of 4 stars). 3 submissions from 3 submitters: Uncertain significance (2); Likely benign (1). Last evaluated 2025-08-10.

Allele frequency attached by ClinVar (database versions not stated): ExAC 0.00029; TOPMed 0.00032; ESP Exome Variant Server 0.00069; gnomAD 0.00036; gnomAD exomes 0.00058.
gnomAD v4.1: 922 of 1,611,678 alleles (0.057%); highest among the groups gnomAD compares: Non-Finnish European, 0.07%; 5 homozygotes.

Submissions (3):

Mayo Clinic Laboratories, Mayo Clinic
Classification: Uncertain significance. Last evaluated: 2025-08-10. Review status: criteria provided, single submitter. Criteria: ACMG Guidelines, 2015. Collection method: clinical testing. Allele origin: germline. Observed: 4 variant alleles.
Comment: BP1

Women's Health and Genetics/Laboratory Corporation of America, LabCorp
Classification: Likely benign. Last evaluated: 2024-07-30. Review status: criteria provided, single submitter. Criteria: LabCorp Variant Classification Summary - May 2015. Collection method: clinical testing. Allele origin: germline.
Comment: Variant summary: CFHR4 c.1652A>C (p.Lys551Thr) results in a non-conservative amino acid change in the encoded protein sequence. Four of five in-silico tools predict a benign effect of the variant on protein function. The variant allele was found at a frequency of 0.00057 in 1604696 control chromosomes, predominantly at a frequency of 0.0007 within the Non-Finnish European subpopulation in the gnomAD database (v4.1 dataset), including 5 homozygotes. The observed variant frequency within Non-Finnish European control individuals in the gnomAD database is approximately 4.4-fold of the estimated maximal expected allele frequency for a pathogenic variant in CFHR4 causing Genetic Atypical Hemolytic Uremic Syndrome phenotype (0.00016). To our knowledge, no occurrence of c.1652A>C in individuals affected with Genetic Atypical Hemolytic Uremic Syndrome and no experimental evidence demonstrating its impact on protein function have been reported. ClinVar contains an entry for this variant (Variation ID: 3143813). Based on the evidence outlined above, the variant was classified as likely benign.

Ambry Genetics
Classification: Uncertain significance. Last evaluated: 2023-12-18. Review status: criteria provided, single submitter. Criteria: Ambry Variant Classification Scheme 2023. Collection method: clinical testing. Allele origin: germline.

NM_001201550.3(CFHR4):c.1652A>C (p.Lys551Thr)

Gene: CFHR4 (complement factor H related 4; plus strand). Cytogenetic location: 1q31.3.
Variant type: single nucleotide variant.
Coding change: c.1652A>C on transcript NM_001201550.3 (MANE Select); coding-DNA position 1652, A replaced by C.
Protein change: p.Lys551Thr; replaces lysine 551 with threonine.
Molecular consequence: missense variant.
Genome position (GRCh38, 1-based): chr1:196,918,321, A>C. VCF-style: chr1-196918321-A-C. GRCh37 (hg19) VCF-style: chr1-196887451-A-C.
Other names: p.Lys550Thr; c.1649A>C, p.Lys550Thr (NM_001201551.2); c.911A>C, p.Lys304Thr (NM_006684.5); short protein forms K551T, K304T, K550T.
Identifiers: ClinVar variation 3143813 (VCV003143813.4), dbSNP rs201727614, ClinGen allele CA1307256.